The following is an entry in ClinVar:

NM_000440.3(PDE6A):c.1646T>C (p.Leu549Pro)

Gene: PDE6A (phosphodiesterase 6A; minus strand). Cytogenetic location: 5q32.
Variant type: single nucleotide variant.
Coding change: c.1646T>C on transcript NM_000440.3 (MANE Select); coding-DNA position 1646, T replaced by C.
Protein change: p.Leu549Pro; replaces leucine 549 with proline.
Molecular consequence: missense variant.
Genome position (GRCh38, 1-based): chr5:149,895,265, A>G on the plus strand (T>C on the coding strand, the complement: PDE6A is on the minus strand). VCF-style: chr5-149895265-A-G. GRCh37 (hg19) VCF-style: chr5-149274828-A-G.
Other names: short protein forms L549P.
Identifiers: ClinVar variation 1515579 (VCV001515579.8), dbSNP rs750763552, ClinGen allele CA3504604.

ClinVar aggregate classification (germline): Uncertain significance (1 of 4 stars; one submission).

Allele frequency attached by ClinVar (database versions not stated): gnomAD exomes below 0.00001; ExAC 0.00001.
gnomAD v4.1: 2 of 1,613,784 alleles (0.00012%); highest among the groups gnomAD compares: Non-Finnish European, 0.00017%; no homozygotes.

Submission:

Labcorp Genetics (formerly Invitae), Labcorp
Classification: Uncertain significance. Last evaluated: 2021-07-14. Review status: criteria provided, single submitter. Criteria: Invitae Variant Classification Sherloc (09022015). Collection method: clinical testing. Allele origin: germline.
Comment: In summary, the available evidence is currently insufficient to determine the role of this variant in disease. Therefore, it has been classified as a Variant of Uncertain Significance. Algorithms developed to predict the effect of missense changes on protein structure and function (SIFT, PolyPhen-2, Align-GVGD) all suggest that this variant is likely to be disruptive. This variant has not been reported in the literature in individuals affected with PDE6A-related conditions. This variant is present in population databases (rs750763552, ExAC 0.001%). This sequence change replaces leucine with proline at codon 549 of the PDE6A protein (p.Leu549Pro). The leucine residue is highly conserved and there is a moderate physicochemical difference between leucine and proline.